The following is an entry in ClinVar:

ClinVar aggregate classification (germline): Uncertain significance (1 of 4 stars; one submission).

Submission:

GeneDx
Classification: Uncertain significance. Last evaluated: 2026-10-06. Review status: criteria provided, single submitter. Criteria: GeneDx Variant Classification Process June 2021. Collection method: clinical testing. Allele origin: germline.
Comment: Not observed at significant frequency in large population cohorts (gnomAD); Frameshift variant predicted to result in protein truncation or nonsense mediated decay in a gene or region of a gene for which loss of function is not a well-established mechanism of disease; Has not been previously published as pathogenic or benign to our knowledge

NM_006218.4(PIK3CA):c.723_724del (p.Val243fs)

Gene: PIK3CA (phosphatidylinositol-4,5-bisphosphate 3-kinase catalytic subunit alpha; plus strand). Cytogenetic location: 3q26.32.
Variant type: Microsatellite.
Coding change: c.723_724del on transcript NM_006218.4 (MANE Select); coding-DNA positions 723 to 724, 2 bases deleted (CT; older notation c.723_724delCT).
Protein change: p.Val243fs; shifts the reading frame from valine 243.
Molecular consequence: frameshift variant.
Genome position (GRCh38, 1-based): chr3:179,201,450-179,201,451, CT deleted; deleting any 2 consecutive bases within chr3:179,201,448-179,201,451 gives the same sequence; the c. name uses the placement nearest the transcript's 3' end. VCF-style (leftmost placement, unchanged base first): chr3-179201447-ACT-A. GRCh37 (hg19) VCF-style: chr3-178919235-ACT-A.
Other names: c.723_724del (NM_006218.2); c.721_722CT[1], p.Val243Phefs (NM_006218.2); short protein forms V243fs.
Identifiers: ClinVar variation 3364797 (VCV003364797.2).